The following is an entry in ClinVar:

NM_177559.3(CSNK2A1):c.320G>T (p.Arg107Leu)

Gene: CSNK2A1 (casein kinase 2 alpha 1; minus strand). Cytogenetic location: 20p13.
Variant type: single nucleotide variant.
Coding change: c.320G>T on transcript NM_177559.3 (MANE Select); coding-DNA position 320, G replaced by T.
Protein change: p.Arg107Leu; replaces arginine 107 with leucine.
Molecular consequence: missense variant. On other transcripts: 5 prime UTR variant (1).
Genome position (GRCh38, 1-based): chr20:499,301, C>A on the plus strand (G>T on the coding strand, the complement: CSNK2A1 is on the minus strand). VCF-style: chr20-499301-C-A. GRCh37 (hg19) VCF-style: chr20-479945-C-A.
Other names: c.320G>T, p.Arg107Leu (NM_001362770.2, NM_001362771.2, NM_001895.4); c.-89G>T (NM_177560.3); short protein forms R107L.
Identifiers: ClinVar variation 4975467 (VCV004975467.1).
Genomic context (GRCh38, chr20:499,301, plus strand): 5'-GTTATATATTATACCTTGAAGTCTGTGTTGTTTACGTGTTCAAAAACCAAGGCGGGGGTT[C>A]GTGACTAGGGGAAAAGAACAAAAACAAAAACACACATTAGCAATAGCCCTGACAGCTTTA-3'
Protein context (NP_808227.1, residues 97-117): LADIVKDPVS[Arg107Leu]TPALVFEHVN

ClinVar aggregate classification (germline): Uncertain significance (1 of 4 stars; one submission).

Submission:

GeneDx
Classification: Uncertain significance. Last evaluated: 2026-01-22. Review status: criteria provided, single submitter. Criteria: GeneDx Variant Classification Process June 2021. Collection method: clinical testing. Allele origin: germline.
Comment: Not observed at significant frequency in large population cohorts (gnomAD); In silico analysis supports that this missense variant has a deleterious effect on protein structure/function; Has not been previously published as pathogenic or benign to our knowledge